The following is an entry in ClinVar:

NM_002485.5(NBN):c.171+2T>C

Gene: NBN (nibrin; minus strand). Cytogenetic location: 8q21.3.
Variant type: single nucleotide variant.
Coding change: c.171+2T>C on transcript NM_002485.5 (MANE Select); the canonical splice donor site of the intron after coding-DNA position 171, T replaced by C.
Molecular consequence: splice donor variant.
Genome position (GRCh38, 1-based): chr8:89,982,720, A>G on the plus strand (T>C on the coding strand, the complement: NBN is on the minus strand). VCF-style: chr8-89982720-A-G. GRCh37 (hg19) VCF-style: chr8-90994948-A-G.
Other names: c.-126+2T>C (NM_001024688.3).
Identifiers: ClinVar variation 1778541 (VCV001778541.2), dbSNP rs2488368219, ClinGen allele CA371662855.
Genomic context (GRCh38, chr8:89,982,720, plus strand): 5'-GAGAATATTTTGTGATTTCAACCCCCTTACTGGAAACTAGTGAAATAAAATTAGTAACAT[A>G]CCAGGTTGGTTACAGAAAAGTTAGCAGTTAACACAGCATGATTTCGGCTGATCGACTGAT-3'

ClinVar aggregate classification (germline): Uncertain significance (1 of 4 stars; one submission).

Conditions:
Hereditary cancer-predisposing syndrome. Also called: Neoplastic Syndromes, Hereditary; Tumor predisposition; Hereditary Cancer Syndrome; Hereditary neoplastic syndrome. Identifiers: Orphanet 140162, MedGen C0027672, MeSH D009386, MONDO:0015356.

Submission:

Ambry Genetics
Classification: Uncertain significance for Hereditary cancer-predisposing syndrome. Last evaluated: 2022-10-04. Review status: criteria provided, single submitter. Criteria: Ambry Variant Classification Scheme 2023. Collection method: clinical testing. Allele origin: germline.
Comment: The c.171+2T>C intronic variant results from a T to C substitution two nucleotides after coding exon 2 in the NBN gene. This nucleotide position is highly conserved in available vertebrate species. In silico splice site analysis predicts that this alteration will weaken the native splice donor site. Alterations that disrupt the canonical splice site are expected to cause aberrant splicing, resulting in an abnormal protein or a transcript that is subject to nonsense-mediated mRNA decay; however, +2T>C alterations are capable of generating wild-type transcripts in some genomic contexts and should be interpreted with caution (Lin JH et al. Hum Mutat. 2019 10;40:1856-1873). Since supporting evidence is limited at this time, the clinical significance of this alteration remains unclear.